The following is an entry in ClinVar:

ClinVar aggregate classification (germline): Uncertain significance (1 of 4 stars; one submission).

Conditions:
Autosomal recessive ataxia, Beauce type. Also called: SYNE1-Related Autosomal Recessive Cerebellar Ataxia; SYNE1 Deficiency; Spinocerebellar ataxia, autosomal recessive 8; ATAXIA, RECESSIVE, OF BEAUCE. Identifiers: Orphanet 88644, MedGen C1853116, MONDO:0012549, OMIM 610743.
Emery-Dreifuss muscular dystrophy 4, autosomal dominant (EDMD4). Also called: EMERY-DREIFUSS MUSCULAR DYSTROPHY 4 WITH VARIABLE FEATURES. Identifiers: Orphanet 261, MedGen C2751807, MONDO:0013071, OMIM 612998.

Submission:

Labcorp Genetics (formerly Invitae), Labcorp
Classification: Uncertain significance for Emery-Dreifuss muscular dystrophy 4, autosomal dominant; Autosomal recessive ataxia, Beauce type. Last evaluated: 2021-09-24. Review status: criteria provided, single submitter. Criteria: Invitae Variant Classification Sherloc (09022015). Collection method: clinical testing. Allele origin: germline.
Comment: This sequence change replaces lysine with glutamic acid at codon 948 of the SYNE1 protein (p.Lys948Glu). The lysine residue is highly conserved and there is a small physicochemical difference between lysine and glutamic acid. This variant is not present in population databases (ExAC no frequency). This variant has not been reported in the literature in individuals with SYNE1-related conditions. Algorithms developed to predict the effect of missense changes on protein structure and function are either unavailable or do not agree on the potential impact of this missense change (SIFT: "Deleterious"; PolyPhen-2: "Possibly Damaging"; Align-GVGD: "Class C0"). In summary, the available evidence is currently insufficient to determine the role of this variant in disease. Therefore, it has been classified as a Variant of Uncertain Significance.

NM_182961.4(SYNE1):c.2821A>G (p.Lys941Glu)

Gene: SYNE1 (spectrin repeat containing nuclear envelope protein 1; minus strand). Cytogenetic location: 6q25.2.
Variant type: single nucleotide variant.
Coding change: c.2821A>G on transcript NM_182961.4 (MANE Select); coding-DNA position 2821, A replaced by G.
Protein change: p.Lys941Glu; replaces lysine 941 with glutamic acid.
Molecular consequence: missense variant.
Genome position (GRCh38, 1-based): chr6:152,455,497, T>C on the plus strand (A>G on the coding strand, the complement: SYNE1 is on the minus strand). VCF-style: chr6-152455497-T-C. GRCh37 (hg19) VCF-style: chr6-152776632-T-C.
Other names: c.2842A>G, p.Lys948Glu (NM_033071.5); short protein forms K941E, K948E.
Identifiers: ClinVar variation 1357379 (VCV001357379.5), dbSNP rs2154257288, ClinGen allele CA366110585.
Genomic context (GRCh38, chr6:152,455,497, plus strand): 5'-GCAGGAGCTCCTCTGGATCCCCCTTTTCCTCCAGGCCCTCCTGAGCAATCCGCAGTACCT[T>C]CTCCAACTCTGCTCGAGACTCCTCAAACTTCTTCATCAAGCGACTGTTGGTTTCCACATG-3'
Protein context (NP_892006.3, residues 931-951): KFEESRAELE[Lys941Glu]VLRIAQEGLE